The following is an entry in ClinVar:

NM_182914.3(SYNE2):c.12485T>C (p.Ile4162Thr)

Gene: SYNE2 (spectrin repeat containing nuclear envelope protein 2; plus strand). Cytogenetic location: 14q23.2.
Variant type: single nucleotide variant.
Coding change: c.12485T>C on transcript NM_182914.3 (MANE Select); coding-DNA position 12485, T replaced by C.
Protein change: p.Ile4162Thr; replaces isoleucine 4162 with threonine.
Molecular consequence: missense variant.
Genome position (GRCh38, 1-based): chr14:64,102,035, T>C. VCF-style: chr14-64102035-T-C. GRCh37 (hg19) VCF-style: chr14-64568753-T-C.
Other names: c.12485T>C (NM_182914.2); c.12485T>C, p.Ile4162Thr (NM_015180.6); short protein forms I4162T.
Identifiers: ClinVar variation 2196937 (VCV002196937.7), dbSNP rs146695327, ClinGen allele CA7222154.
Genomic context (GRCh38, chr14:64,102,035, plus strand): 5'-CACTTTGGAAGCATGACAAGGACATGGAAGAAGACAGAGCTTCCTCATCCTCTGGAACAA[T>C]TGTTCAGGTAATGCTGGGCGTATCAGCCACGCTTAGGGGTTACGAGGGCCCAGGGGGGAG-3'
Protein context (NP_878918.2, residues 4152-4172): EDRASSSSGT[Ile4162Thr]VQEAYGKIST

ClinVar aggregate classification (germline): Uncertain significance. Review status: criteria provided, multiple submitters, no conflicts (2 of 4 stars). 2 submissions from 2 submitters: Uncertain significance (2). Last evaluated 2023-09-08.

Conditions:
Emery-Dreifuss muscular dystrophy 5, autosomal dominant (EDMD5). Also called: EMERY-DREIFUSS MUSCULAR DYSTROPHY 5. Identifiers: Orphanet 261, MedGen C2751805, MONDO:0013072, OMIM 612999.

Allele frequency attached by ClinVar (database versions not stated): gnomAD 0.00001; ExAC 0.00002; gnomAD exomes 0.00002; TOPMed 0.00002; ESP Exome Variant Server 0.00008.
gnomAD v4.1: 27 of 1,612,406 alleles (0.0017%); highest among the groups gnomAD compares: African/African-American, 0.0027%; no homozygotes.

Submissions (2):

Labcorp Genetics (formerly Invitae), Labcorp
Classification: Uncertain significance for Emery-Dreifuss muscular dystrophy 5, autosomal dominant. Last evaluated: 2023-09-08. Review status: criteria provided, single submitter. Criteria: Invitae Variant Classification Sherloc (09022015). Collection method: clinical testing. Allele origin: germline.
Comment: In summary, the available evidence is currently insufficient to determine the role of this variant in disease. Therefore, it has been classified as a Variant of Uncertain Significance. This sequence change replaces isoleucine, which is neutral and non-polar, with threonine, which is neutral and polar, at codon 4162 of the SYNE2 protein (p.Ile4162Thr). This variant is present in population databases (rs146695327, gnomAD 0.0009%). This variant has not been reported in the literature in individuals affected with SYNE2-related conditions. ClinVar contains an entry for this variant (Variation ID: 2196937). An algorithm developed to predict the effect of missense changes on protein structure and function (PolyPhen-2) suggests that this variant is likely to be tolerated.

Revvity Omics, Revvity
Classification: Uncertain significance for Emery-Dreifuss muscular dystrophy 5, autosomal dominant. Last evaluated: 2019-02-06. Review status: criteria provided, single submitter. Criteria: ACMG Guidelines, 2015. Collection method: clinical testing. Allele origin: germline.